The following is an entry in ClinVar:

NM_001205293.3(CACNA1E):c.2734G>A (p.Ala912Thr)

Gene: CACNA1E (calcium voltage-gated channel subunit alpha1 E; plus strand). Cytogenetic location: 1q25.3.
Variant type: single nucleotide variant.
Coding change: c.2734G>A on transcript NM_001205293.3 (MANE Select); coding-DNA position 2734, G replaced by A.
Protein change: p.Ala912Thr; replaces alanine 912 with threonine.
Molecular consequence: missense variant.
Genome position (GRCh38, 1-based): chr1:181,732,820, G>A. VCF-style: chr1-181732820-G-A. GRCh37 (hg19) VCF-style: chr1-181701956-G-A.
Other names: c.2734G>A, p.Ala912Thr (NM_000721.4); c.2677G>A, p.Ala893Thr (NM_001205294.2); short protein forms A893T, A912T.
Identifiers: ClinVar variation 2803454 (VCV002803454.3), dbSNP rs1444091369, ClinGen allele CA343618761.

ClinVar aggregate classification (germline): Uncertain significance (1 of 4 stars; one submission).

Allele frequency attached by ClinVar (database versions not stated): gnomAD exomes below 0.00001; TOPMed 0.00001.
gnomAD v4.1: 3 of 1,611,674 alleles (0.00019%); highest among the groups gnomAD compares: Non-Finnish European, 0.00017%; no homozygotes.

Submission:

Labcorp Genetics (formerly Invitae), Labcorp
Classification: Uncertain significance. Last evaluated: 2024-03-26. Review status: criteria provided, single submitter. Criteria: Invitae Variant Classification Sherloc (09022015). Collection method: clinical testing. Allele origin: germline.
Comment: This sequence change replaces alanine, which is neutral and non-polar, with threonine, which is neutral and polar, at codon 912 of the CACNA1E protein (p.Ala912Thr). This variant is not present in population databases (gnomAD no frequency). This variant has not been reported in the literature in individuals affected with CACNA1E-related conditions. Advanced modeling of protein sequence and biophysical properties (such as structural, functional, and spatial information, amino acid conservation, physicochemical variation, residue mobility, and thermodynamic stability) has been performed at Invitae for this missense variant, however the output from this modeling did not meet the statistical confidence thresholds required to predict the impact of this variant on CACNA1E protein function. In summary, the available evidence is currently insufficient to determine the role of this variant in disease. Therefore, it has been classified as a Variant of Uncertain Significance.